The following is an entry in ClinVar:

NM_173495.3(PTCHD1):c.517A>G (p.Ile173Val)

Gene: PTCHD1 (patched domain containing 1; plus strand). Cytogenetic location: Xp22.11.
Variant type: single nucleotide variant.
Coding change: c.517A>G on transcript NM_173495.3 (MANE Select); coding-DNA position 517, A replaced by G.
Protein change: p.Ile173Val; replaces isoleucine 173 with valine.
Molecular consequence: missense variant.
Genome position (GRCh38, 1-based): chrX:23,379,756, A>G. VCF-style: chrX-23379756-A-G. GRCh37 (hg19) VCF-style: chrX-23397873-A-G.
Other names: short protein forms I173V.
Identifiers: ClinVar variation 211971 (VCV000211971.55), dbSNP rs147324438, ClinGen allele CA206262.

ClinVar aggregate classification (germline): Conflicting classifications of pathogenicity. Review status: criteria provided, conflicting classifications (1 of 4 stars). 6 submissions from 6 submitters: Uncertain significance (2); Benign (3). 1 of the submissions does not count toward it. Last evaluated 2026-06-01.

Conditions:
Inborn genetic diseases. Identifiers: MedGen C0950123, MeSH D030342.
PTCHD1-related disorder. Also called: PTCHD1-related condition.
Autism, susceptibility to, X-linked 4 (AUTSX4). Identifiers: MedGen C0795888, MONDO:0010440, OMIM 300830.

Allele frequency attached by ClinVar (database versions not stated): gnomAD 0.00027 and 0.00033; TOPMed 0.00030; gnomAD exomes 0.00031 and 0.00040; ESP Exome Variant Server 0.00038; ExAC 0.00039; 1000 Genomes Project 0.00053; 1000 Genomes Project 30x 0.00062.
gnomAD v4.1: 376 of 1,209,297 alleles (0.031%); highest among the groups gnomAD compares: South Asian, 0.074%; 2 homozygotes.

Submissions (6):

CeGaT Center for Human Genetics Tuebingen
Classification: Benign. Last evaluated: 2026-06-01. Review status: criteria provided, single submitter. Criteria: CeGaT Center For Human Genetics Tuebingen Variant Classification Criteria Version 2. Collection method: clinical testing. Allele origin: germline. Affected: yes. Observed: 13 variant alleles.
Comment: PTCHD1: BS1, BS2

GeneDx
Classification: Benign. Last evaluated: 2021-02-19. Review status: criteria provided, single submitter. Criteria: GeneDx Variant Classification Process June 2021. Collection method: clinical testing. Allele origin: germline. Affected: yes.
Comment: This variant is associated with the following publications: (PMID: 20844286, 23871722)

Ambry Genetics
Classification: Benign for Inborn genetic diseases. Last evaluated: 2020-04-27. Review status: criteria provided, single submitter. Criteria: Ambry Variant Classification Scheme 2023. Collection method: clinical testing. Allele origin: germline.

Mendelics
Classification: Uncertain significance for Autism, susceptibility to, X-linked 4. Last evaluated: 2019-05-28. Review status: criteria provided, single submitter. Criteria: Mendelics Assertion Criteria 2017. Collection method: clinical testing. Allele origin: unknown.

Genetic Services Laboratory, University of Chicago
Classification: Uncertain significance. Last evaluated: 2014-12-29. Review status: criteria provided, single submitter. Criteria: ACMG Guidelines, 2015. Collection method: clinical testing. Allele origin: germline.

PreventionGenetics, part of Exact Sciences
Classification: Uncertain significance for PTCHD1-related condition. Last evaluated: 2023-12-06. Review status: no assertion criteria provided. Collection method: clinical testing. Allele origin: germline. Not counted in ClinVar's aggregate classification.
Comment: The PTCHD1 c.517A>G variant is predicted to result in the amino acid substitution p.Ile173Val. This variant has been reported in at least one male patient with autism spectrum disorder/ intellectual disability and found in his unaffected mother and one of his unaffected sisters. In vitro experimental studies have shown that PTCHD1 protein carrying the p.Ile173Val variant is expressed at levels comparable to wild type and localizes properly to the cell membrane; however, additional experiments to assess possible impacts on protein function were not performed (Halewa et al. 2021. PubMed ID: 33856728). This variant is reported in 0.084% of alleles in individuals of South Asian descent in gnomAD. Although we suspect that this variant may be benign, the clinical significance of this variant is uncertain at this time due to the absence of conclusive functional and genetic evidence.

Literature cited by the submitters: PubMed 20844286 (cited by Ambry Genetics); PubMed 21114665 (cited by Ambry Genetics); PubMed 23871722 (cited by Ambry Genetics).